The following is an entry in ClinVar:

NM_001130915.2(MAMSTR):c.843C>T (p.Ser281=)

Gene: MAMSTR (MEF2 activating motif and SAP domain containing transcriptional regulator; minus strand). Cytogenetic location: 19q13.33.
Variant type: single nucleotide variant.
Coding change: c.843C>T on transcript NM_001130915.2 (MANE Select); coding-DNA position 843, C replaced by T.
Protein change: p.Ser281=; no amino-acid change (serine 281 retained).
Molecular consequence: synonymous variant.
Genome position (GRCh38, 1-based): chr19:48,713,926, G>A on the plus strand (C>T on the coding strand, the complement: MAMSTR is on the minus strand). VCF-style: chr19-48713926-G-A. GRCh37 (hg19) VCF-style: chr19-49217183-G-A.
Other names: c.339C>T, p.Ser113= (NM_001297753.2); c.534C>T, p.Ser178= (NM_182574.3).
Identifiers: ClinVar variation 2650218 (VCV002650218.24), dbSNP rs145040442, ClinGen allele CA9556536.
Genomic context (GRCh38, chr19:48,713,926, plus strand): 5'-CCTCCGGATCGCTTCCTGCAGCTCCTCCTCCAGAGTCAGAGCCGCTGAGCCCGGCCCTGA[G>A]GAAGGGGTCAGGGCTGGAGCTGCAGCAGGAGCCGGAGTGGGAGTTGGAGCCGGAGCCGTC-3'
Protein context (NP_001124387.1, residues 271-291): APAAAPALTP[Ser281=]SGPGSAALTL

ClinVar aggregate classification (germline): Likely benign (1 of 4 stars; one submission).

Allele frequency attached by ClinVar (database versions not stated): gnomAD exomes 0.00054; ExAC 0.00091; 1000 Genomes Project 30x 0.00172; 1000 Genomes Project 0.00200; gnomAD 0.00212; TOPMed 0.00229; ESP Exome Variant Server 0.00231.
gnomAD v4.1: 1,158 of 1,612,594 alleles (0.072%); highest among the groups gnomAD compares: Middle Eastern, 0.91%; 9 homozygotes.

Submission:

CeGaT Center for Human Genetics Tuebingen
Classification: Likely benign. Last evaluated: 2023-04-01. Review status: criteria provided, single submitter. Criteria: CeGaT Center For Human Genetics Tuebingen Variant Classification Criteria Version 2. Collection method: clinical testing. Allele origin: germline. Affected: yes. Observed: 1 variant allele.
Comment: MAMSTR: BP4, BP7